The following is an entry in ClinVar:

NM_020832.3(ZNF687):c.2714C>T (p.Pro905Leu)

Gene: ZNF687 (zinc finger protein 687; plus strand). Cytogenetic location: 1q21.3.
Variant type: single nucleotide variant.
Coding change: c.2714C>T on transcript NM_020832.3 (MANE Select); coding-DNA position 2714, C replaced by T.
Protein change: p.Pro905Leu; replaces proline 905 with leucine.
Molecular consequence: missense variant.
Genome position (GRCh38, 1-based): chr1:151,289,757, C>T. VCF-style: chr1-151289757-C-T. GRCh37 (hg19) VCF-style: chr1-151262233-C-T.
Other names: c.2714C>T, p.Pro905Leu (NM_001304763.2, NM_001304764.2); short protein forms P905L.
Identifiers: ClinVar variation 3706749 (VCV003706749.2).

ClinVar aggregate classification (germline): Uncertain significance (1 of 4 stars; one submission).

gnomAD v4.1: 3 of 1,559,888 alleles (0.00019%); highest among the groups gnomAD compares: Non-Finnish European, 0.00017%; no homozygotes.

Submission:

Labcorp Genetics (formerly Invitae), Labcorp
Classification: Uncertain significance. Last evaluated: 2024-03-13. Review status: criteria provided, single submitter. Criteria: Invitae Variant Classification Sherloc (09022015). Collection method: clinical testing. Allele origin: germline.
Comment: This sequence change replaces proline, which is neutral and non-polar, with leucine, which is neutral and non-polar, at codon 905 of the ZNF687 protein (p.Pro905Leu). This variant is not present in population databases (gnomAD no frequency). This variant has not been reported in the literature in individuals affected with ZNF687-related conditions. An algorithm developed to predict the effect of missense changes on protein structure and function (PolyPhen-2) suggests that this variant is likely to be disruptive. In summary, the available evidence is currently insufficient to determine the role of this variant in disease. Therefore, it has been classified as a Variant of Uncertain Significance.